The following is an entry in ClinVar:

NM_004415.4(DSP):c.3720T>A (p.Asp1240Glu)

Gene: DSP (desmoplakin; plus strand). Cytogenetic location: 6p24.3.
Variant type: single nucleotide variant.
Coding change: c.3720T>A on transcript NM_004415.4 (MANE Select); coding-DNA position 3720, T replaced by A.
Protein change: p.Asp1240Glu; replaces aspartic acid 1240 with glutamic acid.
Molecular consequence: missense variant. On other transcripts: intron variant (1).
Genome position (GRCh38, 1-based): chr6:7,579,910, T>A. VCF-style: chr6-7579910-T-A. GRCh37 (hg19) VCF-style: chr6-7580143-T-A.
Other names: c.3720T>A, p.Asp1240Glu (NM_001319034.2); c.3582+138T>A (NM_001008844.3); short protein forms D1240E.
Identifiers: ClinVar variation 1052549 (VCV001052549.10), dbSNP rs1759365530, ClinGen allele CA362684709.
Genomic context (GRCh38, chr6:7,579,910, plus strand): 5'-CATCAAGGAGATATCCATGCAAAAAGAGGATGATTCCAAAAATCTTAGAAACCAGCTTGA[T>A]AGACTTTCAAGGGAAAATCGAGATCTGAAGGATGAAATTGTCAGGCTCAATGACAGCATC-3'
Protein context (NP_004406.2, residues 1230-1250): DDSKNLRNQL[Asp1240Glu]RLSRENRDLK

ClinVar aggregate classification (germline): Uncertain significance. Review status: criteria provided, multiple submitters, no conflicts (2 of 4 stars). 2 submissions from 2 submitters: Uncertain significance (2). Last evaluated 2025-06-06.

Conditions:
Arrhythmogenic cardiomyopathy with wooly hair and keratoderma. Also called: Dilated cardiomyopathy with woolly hair and keratoderma; Arrhythmogenic cardiomyopathy with woolly hair and keratoderma; PALMOPLANTAR KERATODERMA WITH LEFT VENTRICULAR CARDIOMYOPATHY AND WOOLLY HAIR; Carvajal syndrome. Identifiers: Orphanet 65282, MedGen C1854063, MONDO:0011581, OMIM 605676.
Arrhythmogenic right ventricular dysplasia 8 (ARVD8). Also called: Arrhythmogenic Right Ventricular Dysplasia/Cardiomyopathy 8; ARRHYTHMOGENIC RIGHT VENTRICULAR DYSPLASIA, FAMILIAL, 8; ARRHYTHMOGENIC RIGHT VENTRICULAR CARDIOMYOPATHY 8. Identifiers: MedGen C1843896, MONDO:0011831, OMIM 607450.

Submissions (2):

Labcorp Genetics (formerly Invitae), Labcorp
Classification: Uncertain significance for Arrhythmogenic cardiomyopathy with wooly hair and keratoderma; Arrhythmogenic right ventricular dysplasia 8. Last evaluated: 2025-06-06. Review status: criteria provided, single submitter. Criteria: Invitae Variant Classification Sherloc (09022015). Collection method: clinical testing. Allele origin: germline.
Comment: This sequence change replaces aspartic acid, which is acidic and polar, with glutamic acid, which is acidic and polar, at codon 1240 of the DSP protein (p.Asp1240Glu). This variant is not present in population databases (gnomAD no frequency). This variant has not been reported in the literature in individuals affected with DSP-related conditions. ClinVar contains an entry for this variant (Variation ID: 1052549). An algorithm developed to predict the effect of missense changes on protein structure and function (PolyPhen-2) suggests that this variant is likely to be tolerated. In summary, the available evidence is currently insufficient to determine the role of this variant in disease. Therefore, it has been classified as a Variant of Uncertain Significance.

All of Us Research Program, National Institutes of Health
Classification: Uncertain significance for Arrhythmogenic cardiomyopathy with wooly hair and keratoderma. Last evaluated: 2023-06-08. Review status: criteria provided, single submitter. Criteria: ACMG Guidelines, 2015. Collection method: clinical testing. Allele origin: germline. Inheritance: Autosomal dominant inheritance. Observed: 1 variant allele, 1 heterozygote.
Comment: This missense variant replaces aspartic acid with glutamic acid at codon 1240 of the DSP protein. Computational prediction suggests that this variant may not impact protein structure and function (internally defined REVEL score threshold <= 0.5, PMID: 27666373). To our knowledge, functional studies have not been reported for this variant. This variant has not been reported in individuals affected with DSP-related disorders in the literature. This variant has not been identified in the general population by the Genome Aggregation Database (gnomAD). The available evidence is insufficient to determine the role of this variant in disease conclusively. Therefore, this variant is classified as a Variant of Uncertain Significance.

This study involves interpretation of variants in research participants for the purpose of population health screening. Participant phenotype was not available at the time of variant classification. Additional details can be found in publication PMID: 35346344, PMCID: PMC8962531